The following is an entry in ClinVar:

ClinVar aggregate classification (germline): Likely pathogenic (1 of 4 stars; one submission).

Conditions:
Hereditary cancer-predisposing syndrome. Also called: Neoplastic Syndromes, Hereditary; Tumor predisposition; Hereditary Cancer Syndrome; Hereditary neoplastic syndrome. Identifiers: Orphanet 140162, MedGen C0027672, MeSH D009386, MONDO:0015356.

Submission:

Ambry Genetics
Classification: Likely pathogenic for Hereditary cancer-predisposing syndrome. Last evaluated: 2025-10-21. Review status: criteria provided, single submitter. Criteria: Ambry Variant Classification Scheme 2023. Collection method: clinical testing. Allele origin: germline.
Comment: The p.N406Y variant (also known as c.1216A>T), located in coding exon 8 of the FH gene, results from an A to T substitution at nucleotide position 1216. The asparagine at codon 406 is replaced by tyrosine, an amino acid with dissimilar properties. This amino acid position is highly conserved in available vertebrate species. In addition, this alteration is predicted to be deleterious by in silico analysis. This variant is considered to be rare based on population cohorts in the Genome Aggregation Database (gnomAD). Based on the majority of available evidence to date, this variant is likely to be pathogenic.

NM_000143.4(FH):c.1216A>T (p.Asn406Tyr)

Gene: FH (fumarate hydratase; minus strand). Cytogenetic location: 1q43.
Variant type: single nucleotide variant.
Coding change: c.1216A>T on transcript NM_000143.4 (MANE Select); coding-DNA position 1216, A replaced by T.
Protein change: p.Asn406Tyr; replaces asparagine 406 with tyrosine.
Molecular consequence: missense variant.
Genome position (GRCh38, 1-based): chr1:241,502,463, T>A on the plus strand (A>T on the coding strand, the complement: FH is on the minus strand). VCF-style: chr1-241502463-T-A. GRCh37 (hg19) VCF-style: chr1-241665763-T-A.
Other names: short protein forms N406Y.
Identifiers: ClinVar variation 4642099 (VCV004642099.1).